The following is an entry in ClinVar:

ClinVar aggregate classification (germline): Conflicting classifications of pathogenicity. Review status: criteria provided, conflicting classifications (1 of 4 stars). 13 submissions from 13 submitters: Uncertain significance (2); Benign (2); Likely benign (6). 3 of the submissions do not count toward it. Last evaluated 2026-09-21.

Conditions:
Cardiovascular phenotype. Identifiers: MedGen CN230736.
Duchenne muscular dystrophy (DMD). Also called: Duchenne Muscular Dystrophy (DMD); MUSCULAR DYSTROPHY, PSEUDOHYPERTROPHIC PROGRESSIVE, DUCHENNE TYPE. Identifiers: Orphanet 98896, MedGen C0013264, MONDO:0010679, OMIM 310200.

Allele frequency attached by ClinVar (database versions not stated): gnomAD exomes 0.00021 and 0.00044; ExAC 0.00026; gnomAD 0.00031 and 0.00032; TOPMed 0.00032.
gnomAD v4.1: 507 of 1,208,544 alleles (0.042%); highest among the groups gnomAD compares: Non-Finnish European, 0.053%; no homozygotes.

Submissions (13):

Molecular Diagnostic Laboratory for Inherited Cardiovascular Disease, Montreal Heart Institute
Classification: Likely benign. Last evaluated: 2026-09-21. Review status: criteria provided, single submitter. Criteria: ACMG Guidelines, 2015. Collection method: clinical testing. Allele origin: germline. Affected: no.
Comment: BS1;BP1

Labcorp Genetics (formerly Invitae), Labcorp
Classification: Benign for Duchenne muscular dystrophy. Last evaluated: 2026-01-25. Review status: criteria provided, single submitter. Criteria: Invitae Variant Classification Sherloc (09022015). Collection method: clinical testing. Allele origin: germline.

Blueprint Genetics
Classification: Likely benign. Last evaluated: 2024-11-14. Review status: criteria provided, single submitter. Criteria: ACMG Guidelines, 2015. Collection method: clinical testing. Allele origin: germline.

Mayo Clinic Laboratories, Mayo Clinic
Classification: Benign. Last evaluated: 2024-08-30. Review status: criteria provided, single submitter. Criteria: ACMG Guidelines, 2015. Collection method: clinical testing. Allele origin: germline. Observed: 2 variant alleles.
Comment: BS1, BS2

Women's Health and Genetics/Laboratory Corporation of America, LabCorp
Classification: Likely benign. Last evaluated: 2024-02-05. Review status: criteria provided, single submitter. Criteria: LabCorp Variant Classification Summary - May 2015. Collection method: clinical testing. Allele origin: germline.
Comment: Variant summary: DMD c.5010G>T (p.Trp1670Cys) results in a non-conservative amino acid change in the encoded protein sequence. Four of five in-silico tools predict a damaging effect of the variant on protein function. The variant allele was found at a frequency of 0.00042 in 1208544 control chromosomes, including 136 hemizygotes. The observed variant frequency is approximately 38 fold of the estimated maximal expected allele frequency for a pathogenic variant in DMD causing Dystrophinopathies phenotype (1.1e-05), strongly suggesting that the variant is benign. c.5010G>T has been reported in at-least one gender unspecified individual affected with DMD and a non-informative genotype (example: Hofstra_2004). This report does not provide unequivocal conclusions about association of the variant with Dystrophinopathies. To our knowledge, no experimental evidence demonstrating an impact on protein function has been reported. The following publications have been ascertained in the context of this evaluation (PMID: 29016797, 14695533). ClinVar contains an entry for this variant (Variation ID: 166757). Based on the evidence outlined above, the variant was classified as likely benign.

CeGaT Center for Human Genetics Tuebingen
Classification: Likely benign. Last evaluated: 2022-05-01. Review status: criteria provided, single submitter. Criteria: CeGaT Center For Human Genetics Tuebingen Variant Classification Criteria Version 2. Collection method: clinical testing. Allele origin: germline. Affected: yes. Observed: 1 variant allele.
Comment: DMD: BS2

GeneDx
Classification: Likely benign. Last evaluated: 2019-03-28. Review status: criteria provided, single submitter. Criteria: GeneDx Variant Classification Process June 2021. Collection method: clinical testing. Allele origin: germline. Affected: yes.
Comment: This variant is associated with the following publications: (PMID: 30564623, 14695533)

Ambry Genetics
Classification: Likely benign for Cardiovascular phenotype. Last evaluated: 2018-03-02. Review status: criteria provided, single submitter. Criteria: Ambry Variant Classification Scheme 2023. Collection method: clinical testing. Allele origin: germline.

Eurofins Ntd Llc (ga)
Classification: Uncertain significance. Last evaluated: 2017-12-29. Review status: criteria provided, single submitter. Criteria: EGL Classification Definitions 2015. Collection method: clinical testing. Allele origin: germline. Observed: 7 variant alleles, 5 heterozygotes, 2 hemizygotes.

Laboratory for Molecular Medicine, Mass General Brigham Personalized Medicine
Classification: Uncertain significance. Last evaluated: 2015-09-16. Review status: criteria provided, single submitter. Criteria: LMM Criteria. Collection method: clinical testing. Allele origin: germline. Observed: 1 variant allele.
Comment: The p.Trp1670Cys variant in DMD has been identified in one individual with DMD ( Hofstra 2004). It has also been identified in 23/47847 European chromosomes, inc luding 4 hemizygotes, by the Exome Aggregation Consortium (ExAC; dbSNP rs727503828). Computational prediction tools and conserv ation analysis suggest that this variant may impact the protein, though this inf ormation is not predictive enough to determine pathogenicity. In summary, the cl inical significance of the p.Trp1670Cys variant is uncertain.

Clinical Genetics DNA and cytogenetics Diagnostics Lab, Erasmus MC, Erasmus Medical Center
Classification: Likely benign. Review status: no assertion criteria provided. Collection method: clinical testing. Allele origin: germline. Affected: yes. Study: VKGL Data-share Consensus. Not counted in ClinVar's aggregate classification.

Diagnostic Laboratory, Department of Genetics, University Medical Center Groningen
Classification: Likely benign. Review status: no assertion criteria provided. Collection method: clinical testing. Allele origin: germline. Affected: yes. Study: VKGL Data-share Consensus. Not counted in ClinVar's aggregate classification.

Genome Diagnostics Laboratory, University Medical Center Utrecht
Classification: Likely benign. Review status: no assertion criteria provided. Collection method: clinical testing. Allele origin: germline. Affected: yes. Study: VKGL Data-share Consensus. Not counted in ClinVar's aggregate classification.

Literature cited by the submitters: PubMed 29016797 (cited by Women's Health and Genetics/Laboratory Corporation of America, LabCorp); PubMed 14695533 (cited by 4 submitters).

NM_004006.3(DMD):c.5010G>T (p.Trp1670Cys)

Gene: DMD (dystrophin; minus strand). Cytogenetic location: Xp21.1.
Variant type: single nucleotide variant.
Coding change: c.5010G>T on transcript NM_004006.3 (MANE Select); coding-DNA position 5010, G replaced by T.
Protein change: p.Trp1670Cys; replaces tryptophan 1670 with cysteine.
Molecular consequence: missense variant.
Genome position (GRCh38, 1-based): chrX:32,365,035, C>A on the plus strand (G>T on the coding strand, the complement: DMD is on the minus strand). VCF-style: chrX-32365035-C-A. GRCh37 (hg19) VCF-style: chrX-32383152-C-A.
Other names: p.W1670C:TGG>TGT; c.4986G>T, p.Trp1662Cys (NM_000109.4); c.4998G>T, p.Trp1666Cys (NM_004009.3); c.4641G>T, p.Trp1547Cys (NM_004010.3); c.987G>T, p.Trp329Cys (NM_004011.4); c.978G>T, p.Trp326Cys (NM_004012.4); short protein forms W1670C, W1547C, W1662C, W1666C, W329C, W326C.
Identifiers: ClinVar variation 166757 (VCV000166757.57), dbSNP rs727503828, ClinGen allele CA295588.